The following is an entry in ClinVar:

ClinVar aggregate classification (germline): Benign/Likely benign. Review status: criteria provided, multiple submitters, no conflicts (2 of 4 stars). 3 submissions from 3 submitters: Benign (1); Likely benign (2). Last evaluated 2025-10-02.

Conditions:
Heterotopia, periventricular, X-linked dominant (PVNH1). Also called: PERIVENTRICULAR NODULAR HETEROTOPIA 1; X-linked periventricular heterotopia; PERIVENTRICULAR NODULAR HETEROTOPIA 4; HETEROTOPIA, PERIVENTRICULAR, 1. Identifiers: Orphanet 2149, Orphanet 82004, MedGen C1848213, MONDO:0010233, OMIM 300049.
Melnick-Needles syndrome (MNS). Also called: OSTEODYSPLASTY OF MELNICK AND NEEDLES; Melnick-Needles Syndrome (FLNA-MNS); MELNICK-NEEDLES OSTEODYSPLASTY. Identifiers: Orphanet 2484, MedGen C0025237, MONDO:0010650, OMIM 309350.
Oto-palato-digital syndrome, type II (OPD2). Also called: OPD II SYNDROME; Otopalatodigital Syndrome, Type II; FACIOPALATOOSSEOUS SYNDROME; Otopalatodigital Syndrome Type 2 (FLNA-OPD2). Identifiers: Orphanet 669, Orphanet 90652, MedGen C1844696, MONDO:0010571, OMIM 304120.
Frontometaphyseal dysplasia (FMD1). Identifiers: Orphanet 1826, MedGen C0265293, MONDO:0015942.

Allele frequency attached by ClinVar (database versions not stated): gnomAD 0.00002; TOPMed 0.00003; gnomAD exomes 0.00013; ExAC 0.00018.
gnomAD v4.1: 29 of 1,153,251 alleles (0.0025%); highest among the groups gnomAD compares: Admixed American, 0.063%; no homozygotes.

Submissions (3):

Labcorp Genetics (formerly Invitae), Labcorp
Classification: Benign for Oto-palato-digital syndrome, type II; Heterotopia, periventricular, X-linked dominant; Frontometaphyseal dysplasia; Melnick-Needles syndrome. Last evaluated: 2025-10-02. Review status: criteria provided, single submitter. Criteria: Invitae Variant Classification Sherloc (09022015). Collection method: clinical testing. Allele origin: germline.

Blueprint Genetics
Classification: Likely benign. Last evaluated: 2024-06-25. Review status: criteria provided, single submitter. Criteria: ACMG Guidelines, 2015. Collection method: clinical testing. Allele origin: germline.

GeneDx
Classification: Likely benign. Last evaluated: 2018-02-12. Review status: criteria provided, single submitter. Criteria: GeneDx Variant Classification (06012015). Collection method: clinical testing. Allele origin: germline. Affected: yes.
Comment: This variant is considered likely benign or benign based on one or more of the following criteria: it is a conservative change, it occurs at a poorly conserved position in the protein, it is predicted to be benign by multiple in silico algorithms, and/or has population frequency not consistent with disease.

NM_001110556.2(FLNA):c.6908-14C>G

Gene: FLNA (filamin A; minus strand). Cytogenetic location: Xq28.
Variant type: single nucleotide variant.
Coding change: c.6908-14C>G on transcript NM_001110556.2 (MANE Select); 14 bases into the intron before coding-DNA position 6908, C replaced by G.
Molecular consequence: intron variant.
Genome position (GRCh38, 1-based): chrX:154,351,710, G>C on the plus strand (C>G on the coding strand, the complement: FLNA is on the minus strand). VCF-style: chrX-154351710-G-C. GRCh37 (hg19) VCF-style: chrX-153580078-G-C.
Other names: c.6884-14C>G (NM_001456.4).
Identifiers: ClinVar variation 508960 (VCV000508960.10), dbSNP rs782486602, ClinGen allele CA10559992.